The following is an entry in ClinVar:

ClinVar aggregate classification (germline): Pathogenic (1 of 4 stars; one submission).

Conditions:
Werner syndrome (WRN). Identifiers: Orphanet 902, MedGen C0043119, MONDO:0010196, OMIM 277700.

Submission:

Labcorp Genetics (formerly Invitae), Labcorp
Classification: Pathogenic for Werner syndrome. Last evaluated: 2022-05-07. Review status: criteria provided, single submitter. Criteria: Invitae Variant Classification Sherloc (09022015). Collection method: clinical testing. Allele origin: germline.
Comment: This variant is a gross deletion of the genomic region encompassing exon(s) 3 of the WRN gene. This deletion is out-of-frame, and is expected to create a premature termination codon and result in an absent or disrupted protein product. Loss-of-function variants in WRN are known to be pathogenic (PMID: 16673358). This variant has not been reported in the literature in individuals affected with WRN-related conditions. For these reasons, this variant has been classified as Pathogenic.

Literature cited by the submitters: PubMed 16673358.

NC_000008.10:g.(?_30916659)_(30916791_?)del

Gene: WRN (WRN RecQ like helicase; plus strand). Cytogenetic location: 8p12.
Variant type: Deletion.
Identifiers: ClinVar variation 1457642 (VCV001457642.6).